The following is an entry in ClinVar:

NM_005026.5(PIK3CD):c.2631C>G (p.Leu877=)

Gene: PIK3CD (phosphatidylinositol-4,5-bisphosphate 3-kinase catalytic subunit delta; plus strand). Cytogenetic location: 1p36.22.
Variant type: single nucleotide variant.
Coding change: c.2631C>G on transcript NM_005026.5 (MANE Select); coding-DNA position 2631, C replaced by G.
Protein change: p.Leu877=; no amino-acid change (leucine 877 retained).
Molecular consequence: synonymous variant.
Genome position (GRCh38, 1-based): chr1:9,724,005, C>G. VCF-style: chr1-9724005-C-G. GRCh37 (hg19) VCF-style: chr1-9784063-C-G.
Other names: c.2628C>G, p.Leu876= (NM_001350234.2); c.2544C>G, p.Leu848= (NM_001350235.1).
Identifiers: ClinVar variation 733552 (VCV000733552.14), dbSNP rs368751278, ClinGen allele CA577591.
Genomic context (GRCh38, chr1:9,724,005, plus strand): 5'-TGCTTTTTAATCTTCCCCACCCAGGGAGGCCCTGGATCGAGCCATTGAGGAGTTCACCCT[C>G]TCCTGTGCTGGCTATTGTGTGGCCACATATGTGCTGGGCATTGGCGATCGGCACAGCGAC-3'
Protein context (NP_005017.3, residues 867-887): ALDRAIEEFT[Leu877=]SCAGYCVATY

ClinVar aggregate classification (germline): Likely benign. Review status: criteria provided, multiple submitters, no conflicts (2 of 4 stars). 4 submissions from 4 submitters: Likely benign (4). Last evaluated 2026-07-01.

Conditions:
Immunodeficiency 14 (IMD14A). Also called: Activated PI3K Delta Syndrome Type 1 (APDS1); p110-DELTA-ACTIVATING MUTATION CAUSING SENESCENT T CELLS, LYMPHADENOPATHY, AND IMMUNODEFICIENCY; IMMUNODEFICIENCY 14A WITH LYMPHOPROLIFERATION, AUTOSOMAL DOMINANT; ACTIVATED PI3K-DELTA SYNDROME 1. Identifiers: Orphanet 397596, Orphanet 693661, MedGen C5907821, MONDO:0014222, OMIM 615513.

Allele frequency attached by ClinVar (database versions not stated): ExAC 0.00022; ESP Exome Variant Server 0.00023; gnomAD exomes 0.00023; TOPMed 0.00012; gnomAD 0.00014 and 0.00017.
gnomAD v4.1: 194 of 1,614,220 alleles (0.012%); highest among the groups gnomAD compares: South Asian, 0.052%; 1 homozygote.

Submissions (4):

CeGaT Center for Human Genetics Tuebingen
Classification: Likely benign. Last evaluated: 2026-07-01. Review status: criteria provided, single submitter. Criteria: CeGaT Center For Human Genetics Tuebingen Variant Classification Criteria Version 2. Collection method: clinical testing. Allele origin: germline. Affected: yes. Observed: 1 variant allele.
Comment: PIK3CD: BP4, BP7

Labcorp Genetics (formerly Invitae), Labcorp
Classification: Likely benign for Activated PI3K-delta syndrome. Last evaluated: 2025-11-11. Review status: criteria provided, single submitter. Criteria: Invitae Variant Classification Sherloc (09022015). Collection method: clinical testing. Allele origin: germline.

Blueprint Genetics
Classification: Likely benign. Last evaluated: 2024-11-07. Review status: criteria provided, single submitter. Criteria: ACMG Guidelines, 2015. Collection method: clinical testing. Allele origin: germline.

Genetic Services Laboratory, University of Chicago
Classification: Likely benign. Last evaluated: 2021-11-04. Review status: criteria provided, single submitter. Criteria: ACMG Guidelines, 2015. Collection method: clinical testing. Allele origin: germline. Affected: no.